The following is an entry in ClinVar:

NM_001042517.2(DIAPH3):c.3246A>G (p.Thr1082=)

Gene: DIAPH3 (diaphanous related formin 3; minus strand). Cytogenetic location: 13q21.2.
Variant type: single nucleotide variant.
Coding change: c.3246A>G on transcript NM_001042517.2 (MANE Select); coding-DNA position 3246, A replaced by G.
Protein change: p.Thr1082=; no amino-acid change (threonine 1082 retained).
Molecular consequence: synonymous variant.
Genome position (GRCh38, 1-based): chr13:59,774,741, T>C on the plus strand (A>G on the coding strand, the complement: DIAPH3 is on the minus strand). VCF-style: chr13-59774741-T-C. GRCh37 (hg19) VCF-style: chr13-60348875-T-C.
Other names: c.3213A>G, p.Thr1071= (NM_001258366.2); c.3108A>G, p.Thr1036= (NM_001258367.2); c.3036A>G, p.Thr1012= (NM_001258368.2); c.3246A>G, p.Thr1082= (NM_001258369.2); c.2457A>G, p.Thr819= (NM_030932.4).
Identifiers: ClinVar variation 4990520 (VCV004990520.1).
Genomic context (GRCh38, chr13:59,774,741, plus strand): 5'-CTGTGATAGCTCCCTAGAAAGTAACATGAAACAAGTATAGGGTTCACCTTTTGGCATCGG[T>C]GTCCTTTTTCTTCTGTCGCGGAAGGCAGCCCCGGACTGCAAGGCCTCCAGCAGATTATCC-3'
Protein context (NP_001035982.1, residues 1072-1092): GAAFRDRRKR[Thr1082=]PMPKDVRQSL

ClinVar aggregate classification (germline): Likely benign (1 of 4 stars; one submission).

Conditions:
DIAPH3-related disorder. Also called: DIAPH3-related condition.

gnomAD v4.1: 12 of 1,613,986 alleles (0.00074%); highest among the groups gnomAD compares: Non-Finnish European, 0.001%; no homozygotes.

Submission:

PreventionGenetics, part of Exact Sciences
Classification: Likely benign for DIAPH3-related condition. Last evaluated: 2026-07-15. Review status: criteria provided, single submitter. Criteria: ACMG Guidelines, 2015. Collection method: clinical testing. Allele origin: germline.
Comment: This variant is classified as likely benign based on ACMG/AMP sequence variant interpretation guidelines (Richards et al. 2015 PMID: 25741868, with internal and published modifications).